The following is an entry in ClinVar:

ClinVar aggregate classification (germline): Uncertain significance. Review status: criteria provided, multiple submitters, no conflicts (2 of 4 stars). 3 submissions from 3 submitters: Uncertain significance (3). Last evaluated 2024-04-12.

Conditions:
Breast-ovarian cancer, familial, susceptibility to, 5 (BROVCA5). Identifiers: MedGen C5830615, MONDO:0957530, OMIM 620442.
Pancreatic cancer, susceptibility to, 3. Identifiers: Orphanet 1333, MedGen C3150547, MONDO:0013236, OMIM 613348.
Fanconi anemia complementation group N. Also called: PALB2-Related Fanconi Anemia. Identifiers: Orphanet 84, MedGen C1835817, MONDO:0012565, OMIM 610832. Disease mechanism: loss of function.
Familial cancer of breast. Also called: BREAST CANCER, FAMILIAL; hereditary breast carcinoma; Hereditary breast cancer. Identifiers: Orphanet 227535, MedGen C0346153, MONDO:0016419, OMIM 114480. Disease mechanism: loss of function.

Allele frequency attached by ClinVar (database versions not stated): gnomAD exomes below 0.00001.
gnomAD v4.1: 2 of 1,614,198 alleles (0.00012%); highest among the groups gnomAD compares: Non-Finnish European, 0.00017%; no homozygotes.

Submissions (3):

Fulgent Genetics
Classification: Uncertain significance for Fanconi anemia complementation group N; Pancreatic cancer, susceptibility to, 3; Breast-ovarian cancer, familial, susceptibility to, 5. Last evaluated: 2024-04-12. Review status: criteria provided, single submitter. Criteria: ACMG Guidelines, 2015. Collection method: clinical testing. Allele origin: germline.

Labcorp Genetics (formerly Invitae), Labcorp
Classification: Uncertain significance for Familial cancer of breast. Last evaluated: 2024-03-06. Review status: criteria provided, single submitter. Criteria: Invitae Variant Classification Sherloc (09022015). Collection method: clinical testing. Allele origin: germline.
Comment: This sequence change replaces threonine, which is neutral and polar, with alanine, which is neutral and non-polar, at codon 477 of the PALB2 protein (p.Thr477Ala). This variant is not present in population databases (gnomAD no frequency). This variant has not been reported in the literature in individuals affected with PALB2-related conditions. ClinVar contains an entry for this variant (Variation ID: 460894). Advanced modeling of protein sequence and biophysical properties (such as structural, functional, and spatial information, amino acid conservation, physicochemical variation, residue mobility, and thermodynamic stability) performed at Invitae indicates that this missense variant is not expected to disrupt PALB2 protein function with a negative predictive value of 80%. In summary, the available evidence is currently insufficient to determine the role of this variant in disease. Therefore, it has been classified as a Variant of Uncertain Significance.

Baylor Genetics
Classification: Uncertain significance for Familial cancer of breast. Last evaluated: 2023-08-08. Review status: criteria provided, single submitter. Criteria: ACMG Guidelines, 2015. Collection method: clinical testing. Allele origin: unknown.

NM_024675.4(PALB2):c.1429A>G (p.Thr477Ala)

Gene: PALB2 (partner and localizer of BRCA2; minus strand). Cytogenetic location: 16p12.2.
Variant type: single nucleotide variant.
Coding change: c.1429A>G on transcript NM_024675.4 (MANE Select); coding-DNA position 1429, A replaced by G.
Protein change: p.Thr477Ala; replaces threonine 477 with alanine.
Molecular consequence: missense variant.
Genome position (GRCh38, 1-based): chr16:23,635,117, T>C on the plus strand (A>G on the coding strand, the complement: PALB2 is on the minus strand). VCF-style: chr16-23635117-T-C. GRCh37 (hg19) VCF-style: chr16-23646438-T-C.
Other names: short protein forms T477A.
Identifiers: ClinVar variation 460894 (VCV000460894.11), dbSNP rs1555461285, ClinGen allele CA395131291.
Genomic context (GRCh38, chr16:23,635,117, plus strand): 5'-TATCTTCAGTGGGCCCAGCGGGAGAGCTGACTTTAGTTAATGAGAGAAGTTTCTGAGAGG[T>C]TCTTGAACTTGGTTGTCCTGTGCATGTGCCAGACATCCTAATTTCACTTTGGTCAGTTTC-3'
Protein context (NP_078951.2, residues 467-487): GTCTGQPSSR[Thr477Ala]SQKLLSLTKV